The following is an entry in ClinVar:

NM_000535.7(PMS2):c.52A>T (p.Ile18Phe)

Gene: PMS2 (PMS1 homolog 2, mismatch repair system component; minus strand). Cytogenetic location: 7p22.1.
Variant type: single nucleotide variant.
Coding change: c.52A>T on transcript NM_000535.7 (MANE Select); coding-DNA position 52, A replaced by T.
Protein change: p.Ile18Phe; replaces isoleucine 18 with phenylalanine.
Molecular consequence: missense variant. On other transcripts: 5 prime UTR variant (8), non-coding transcript variant (1), intron variant (3).
Genome position (GRCh38, 1-based): chr7:6,006,003, T>A on the plus strand (A>T on the coding strand, the complement: PMS2 is on the minus strand). VCF-style: chr7-6006003-T-A. GRCh37 (hg19) VCF-style: chr7-6045634-T-A.
Other names: c.-354A>T (NM_001322003.2, NM_001322005.2, NM_001322009.2 and 1 more transcripts); c.52A>T, p.Ile18Phe (NM_001322006.2, NM_001322014.2); c.-164A>T (NM_001322007.2); c.-833A>T (NM_001322011.2, NM_001322012.2); c.-433A>T (NM_001322015.2); c.-52-1945A>T (NM_001322008.2); c.-242-1945A>T (NM_001322010.2, NM_001322004.2); short protein forms I18F.
Identifiers: ClinVar variation 1392336 (VCV001392336.8), dbSNP rs63750123, ClinGen allele CA366745150.
Genomic context (GRCh38, chr7:6,006,003, plus strand): 5'-CAGTGCTTAGACTCAGTACCACCTGCCCAGAGCAAATCTGATGGACTGACTTCCGATCAA[T>A]AGGTTTGATGGCCTTAGCAGGTTCTGTACTAGAGAAATCAGTTACAAGAAACAAATCAAG-3'
Protein context (NP_000526.2, residues 8-28): STEPAKAIKP[Ile18Phe]DRKSVHQICS

ClinVar aggregate classification (germline): Uncertain significance (1 of 4 stars; one submission).

Conditions:
Hereditary nonpolyposis colorectal neoplasms. Identifiers: MedGen C0009405, MeSH D003123.

Submission:

Labcorp Genetics (formerly Invitae), Labcorp
Classification: Uncertain significance for Hereditary nonpolyposis colorectal neoplasms. Last evaluated: 2024-09-17. Review status: criteria provided, single submitter. Criteria: Invitae Variant Classification Sherloc (09022015). Collection method: clinical testing. Allele origin: germline.
Comment: This sequence change replaces isoleucine, which is neutral and non-polar, with phenylalanine, which is neutral and non-polar, at codon 18 of the PMS2 protein (p.Ile18Phe). This variant is not present in population databases (gnomAD no frequency). This variant has not been reported in the literature in individuals affected with PMS2-related conditions. ClinVar contains an entry for this variant (Variation ID: 1392336). Invitae Evidence Modeling of protein sequence and biophysical properties (such as structural, functional, and spatial information, amino acid conservation, physicochemical variation, residue mobility, and thermodynamic stability) indicates that this missense variant is expected to disrupt PMS2 protein function with a positive predictive value of 80%. In summary, the available evidence is currently insufficient to determine the role of this variant in disease. Therefore, it has been classified as a Variant of Uncertain Significance.